The following is an entry in ClinVar:

NM_000257.4(MYH7):c.1000-5T>A

Gene: MYH7 (myosin heavy chain 7; minus strand). Cytogenetic location: 14q11.2.
Variant type: single nucleotide variant.
Coding change: c.1000-5T>A on transcript NM_000257.4 (MANE Select); 5 bases into the intron before coding-DNA position 1000, T replaced by A.
Molecular consequence: intron variant.
Genome position (GRCh38, 1-based): chr14:23,429,918, A>T on the plus strand (T>A on the coding strand, the complement: MYH7 is on the minus strand). VCF-style: chr14-23429918-A-T. GRCh37 (hg19) VCF-style: chr14-23899127-A-T.
Other names: c.1000-5T>A (NM_001407004.1).
Identifiers: ClinVar variation 3400930 (VCV003400930.1).
Genomic context (GRCh38, chr14:23,429,918, plus strand): 5'-AGCTTATACATGGAGTTTTTCTCCTCTGAAGTGAAGCCCAGCACATCAAAAGCGTTCTGT[A>T]GGGAGGCCCCATATTGGCGGACCCCAGAAAAAGAAGTATGATGGGTAAGTGAGATCCCTT-3'

ClinVar aggregate classification (germline): Uncertain significance (1 of 4 stars; one submission).

Conditions:
Cardiovascular phenotype. Identifiers: MedGen CN230736.

Submission:

Ambry Genetics
Classification: Uncertain significance for Cardiovascular phenotype. Last evaluated: 2024-09-09. Review status: criteria provided, single submitter. Criteria: Ambry Variant Classification Scheme 2023. Collection method: clinical testing. Allele origin: germline.
Comment: The c.1000-5T>A intronic variant results from a T to A substitution 5 nucleotides upstream from coding exon 10 in the MYH7 gene. This nucleotide position is not well conserved in available vertebrate species. In silico splice site analysis predicts that this alteration will not have any significant effect on splicing. Based on the available evidence, the clinical significance of this variant remains unclear.